The following is an entry in ClinVar:

NM_016222.4(DDX41):c.889T>C (p.Cys297Arg)

Gene: DDX41 (DEAD-box helicase 41; minus strand). Cytogenetic location: 5q35.3.
Variant type: single nucleotide variant.
Coding change: c.889T>C on transcript NM_016222.4 (MANE Select); coding-DNA position 889, T replaced by C.
Protein change: p.Cys297Arg; replaces cysteine 297 with arginine.
Molecular consequence: missense variant.
Genome position (GRCh38, 1-based): chr5:177,514,747, A>G on the plus strand (T>C on the coding strand, the complement: DDX41 is on the minus strand). VCF-style: chr5-177514747-A-G. GRCh37 (hg19) VCF-style: chr5-176941748-A-G.
Other names: c.511T>C, p.Cys171Arg (NM_001321732.2, NM_001321830.2); short protein forms C297R, C171R.
Identifiers: ClinVar variation 4844609 (VCV004844609.1).

ClinVar aggregate classification (germline): Uncertain significance (1 of 4 stars; one submission).

Conditions:
Inborn genetic diseases. Identifiers: MedGen C0950123, MeSH D030342.

Submission:

Ambry Genetics
Classification: Uncertain significance for Inborn genetic diseases. Last evaluated: 2026-02-13. Review status: criteria provided, single submitter. Criteria: Ambry Variant Classification Scheme 2023. Collection method: clinical testing. Allele origin: germline.
Comment: The p.C297R variant (also known as c.889T>C), located in coding exon 9 of the DDX41 gene, results from a T to C substitution at nucleotide position 889. The cysteine at codon 297 is replaced by arginine, an amino acid with highly dissimilar properties. This amino acid position is conserved. In addition, the in silico prediction for this alteration is inconclusive. Based on the available evidence, the clinical significance of this variant remains unclear.